The following is an entry in ClinVar:

NM_000492.4(CFTR):c.3139+2T>C

Genes: CFTR (CF transmembrane conductance regulator; plus strand), CFTR-AS2 (CFTR antisense RNA 2; minus strand), LOC111674472 (DNase I hypersensitive sites in introns 16 and 17a of CFTR; plus strand). Cytogenetic location: 7q31.2.
Variant type: single nucleotide variant.
Coding change: c.3139+2T>C on transcript NM_000492.4 (MANE Select); the canonical splice donor site of the intron after coding-DNA position 3139, T replaced by C.
Molecular consequence: splice donor variant.
Genome position (GRCh38, 1-based): chr7:117,610,671, T>C. VCF-style: chr7-117610671-T-C. GRCh37 (hg19) VCF-style: chr7-117250725-T-C.
Identifiers: ClinVar variation 4818527 (VCV004818527.1).

ClinVar aggregate classification (germline): Pathogenic (1 of 4 stars; one submission).

Conditions:
CFTR-related disorder (CFTR-RD). Also called: CFTR-related disorders; CFTR-related condition. Identifiers: MedGen C5924204, MONDO:7770004.

Submission:

Natera, Inc.
Classification: Pathogenic for CFTR-related disorders. Last evaluated: 2025-06-16. Review status: criteria provided, single submitter. Criteria: Natera Variant Classification Schema (03/2026). Collection method: clinical testing. Allele origin: germline.
Comment: The c.3139+2T>C variant in CFTR is a canonical splice donor site variant predicted to affect pre-mRNA splicing, which may result in an abnormal transcript and altered protein product. This variant is expected to result in nonsense mediated decay, truncation, or a dysfunctional protein product. This variant is rare in the general population with a frequency below the threshold expected for the associated phenotype(s). Another variant at this same site results in an alteration predicted to cause a similar molecular effect has been observed in individual(s) with the associated phenotype. Given the available evidence, this variant is classified as Pathogenic.